The following is an entry in ClinVar:

NM_003470.3(USP7):c.675G>A (p.Met225Ile)

Gene: USP7 (ubiquitin specific peptidase 7; minus strand). Cytogenetic location: 16p13.2.
Variant type: single nucleotide variant.
Coding change: c.675G>A on transcript NM_003470.3 (MANE Select); coding-DNA position 675, G replaced by A.
Protein change: p.Met225Ile; replaces methionine 225 with isoleucine.
Molecular consequence: missense variant. On other transcripts: non-coding transcript variant (1).
Genome position (GRCh38, 1-based): chr16:8,919,076, C>T on the plus strand (G>A on the coding strand, the complement: USP7 is on the minus strand). VCF-style: chr16-8919076-C-T. GRCh37 (hg19) VCF-style: chr16-9012933-C-T.
Other names: c.627G>A, p.Met209Ile (NM_001286457.2); c.378G>A, p.Met126Ile (NM_001286458.2); c.501G>A, p.Met167Ile (NM_001321858.2); short protein forms M225I, M126I, M167I, M209I.
Identifiers: ClinVar variation 440942 (VCV000440942.3), dbSNP rs1555465642, ClinGen allele CA394704280.

ClinVar aggregate classification (germline): Pathogenic (0 of 4 stars; one submission).

Conditions:
Hao-Fountain syndrome (HAFOUS). Identifiers: Orphanet 643549, MedGen C5393908, MONDO:0014805.

Submission:

OMIM
Classification: Pathogenic for HAO-FOUNTAIN SYNDROME. Last evaluated: 2020-06-15. Review status: no assertion criteria provided. Collection method: literature only. Allele origin: germline.

Literature cited by the submitters: PubMed 30679821 (cited by OMIM).